The following is an entry in ClinVar:

NM_001033855.3(DCLRE1C):c.767G>A (p.Cys256Tyr)

Gene: DCLRE1C (DNA cross-link repair 1C; minus strand). Cytogenetic location: 10p13.
Variant type: single nucleotide variant.
Coding change: c.767G>A on transcript NM_001033855.3 (MANE Select); coding-DNA position 767, G replaced by A.
Protein change: p.Cys256Tyr; replaces cysteine 256 with tyrosine.
Molecular consequence: missense variant. On other transcripts: non-coding transcript variant (4).
Genome position (GRCh38, 1-based): chr10:14,932,867, C>T on the plus strand (G>A on the coding strand, the complement: DCLRE1C is on the minus strand). VCF-style: chr10-14932867-C-T. GRCh37 (hg19) VCF-style: chr10-14974866-C-T.
Other names: c.407G>A, p.Cys136Tyr (NM_001033857.3, NM_001033858.3, NM_001289077.2 and 2 more transcripts); c.422G>A, p.Cys141Tyr (NM_001289076.2, NM_001289078.2, NM_001350966.2 and 1 more transcripts); c.767G>A, p.Cys256Tyr (NM_001350965.2); short protein forms C256Y, C141Y, C136Y.
Identifiers: ClinVar variation 937052 (VCV000937052.9), dbSNP rs1839258333, ClinGen allele CA376058335.

ClinVar aggregate classification (germline): Uncertain significance (1 of 4 stars; one submission).

Conditions:
Severe combined immunodeficiency due to DCLRE1C deficiency (RS-SCID). Also called: SCID, AUTOSOMAL RECESSIVE, T CELL-NEGATIVE, B CELL-NEGATIVE, NK CELL-POSITIVE, WITH SENSITIVITY TO IONIZING RADIATION. Identifiers: Orphanet 275, MedGen C1865371, MONDO:0011225, OMIM 602450.

Submission:

Labcorp Genetics (formerly Invitae), Labcorp
Classification: Uncertain significance for Athabaskan severe combined immunodeficiency. Last evaluated: 2021-07-22. Review status: criteria provided, single submitter. Criteria: Invitae Variant Classification Sherloc (09022015). Collection method: clinical testing. Allele origin: germline.
Comment: In summary, the available evidence is currently insufficient to determine the role of this variant in disease. Therefore, it has been classified as a Variant of Uncertain Significance. Algorithms developed to predict the effect of missense changes on protein structure and function are either unavailable or do not agree on the potential impact of this missense change (SIFT: "Deleterious"; PolyPhen-2: "Probably Damaging"; Align-GVGD: "Class C0"). This variant has not been reported in the literature in individuals with DCLRE1C-related conditions. ClinVar contains an entry for this variant (Variation ID: 937052). This variant is not present in population databases (ExAC no frequency). This sequence change replaces cysteine with tyrosine at codon 256 of the DCLRE1C protein (p.Cys256Tyr). The cysteine residue is moderately conserved and there is a large physicochemical difference between cysteine and tyrosine.